The following is an entry in ClinVar:

NM_182920.2(ADAMTS9):c.4743G>T (p.Val1581=)

Gene: ADAMTS9 (ADAM metallopeptidase with thrombospondin type 1 motif 9; minus strand). Cytogenetic location: 3p14.1.
Variant type: single nucleotide variant.
Coding change: c.4743G>T on transcript NM_182920.2 (MANE Select); coding-DNA position 4743, G replaced by T.
Protein change: p.Val1581=; no amino-acid change (valine 1581 retained).
Molecular consequence: synonymous variant.
Genome position (GRCh38, 1-based): chr3:64,551,018, C>A on the plus strand (G>T on the coding strand, the complement: ADAMTS9 is on the minus strand). VCF-style: chr3-64551018-C-A. GRCh37 (hg19) VCF-style: chr3-64536694-C-A.
Other names: c.4659G>T, p.Val1553= (NM_001318781.2); c.4743G>T (NM_182920.1).
Identifiers: ClinVar variation 1558609 (VCV001558609.10), dbSNP rs146412036, ClinGen allele CA2480397.

ClinVar aggregate classification (germline): Benign. Review status: criteria provided, single submitter (1 of 4 stars). 2 submissions from 2 submitters: Benign (1). 1 of the submissions does not count toward it. Last evaluated 2025-10-14.

Conditions:
ADAMTS9-related disorder. Also called: ADAMTS9-related condition.

Allele frequency attached by ClinVar (database versions not stated): gnomAD 0.00106 and 0.00107; TOPMed 0.00113; ExAC 0.00152; ESP Exome Variant Server 0.00154; gnomAD exomes 0.00177.
gnomAD v4.1: 2,701 of 1,614,240 alleles (0.17%); highest among the groups gnomAD compares: Non-Finnish European, 0.22%; 6 homozygotes.

Submissions (2):

Labcorp Genetics (formerly Invitae), Labcorp
Classification: Benign. Last evaluated: 2025-10-14. Review status: criteria provided, single submitter. Criteria: Invitae Variant Classification Sherloc (09022015). Collection method: clinical testing. Allele origin: germline.

PreventionGenetics, part of Exact Sciences
Classification: Likely benign for ADAMTS9-related condition. Last evaluated: 2019-10-28. Review status: no assertion criteria provided. Collection method: clinical testing. Allele origin: germline. Not counted in ClinVar's aggregate classification.
Comment: This variant is classified as likely benign based on ACMG/AMP sequence variant interpretation guidelines (Richards et al. 2015 PMID: 25741868, with internal and published modifications).